The following is an entry in ClinVar:

ClinVar aggregate classification (germline): Likely benign. Review status: criteria provided, multiple submitters, no conflicts (2 of 4 stars). 2 submissions from 2 submitters: Likely benign (2). Last evaluated 2023-03-23.

Conditions:
Multiple endocrine neoplasia, type 1 (MEN1). Also called: MEN I; WERMER SYNDROME; Endocrine adenomatosis multiple; MEN 1; MEA I. Identifiers: Orphanet 652, MedGen C0025267, MeSH D018761, MONDO:0007540, OMIM 131100.

Submissions (2):

All of Us Research Program, National Institutes of Health
Classification: Likely benign for Multiple endocrine neoplasia, type 1. Last evaluated: 2023-03-23. Review status: criteria provided, single submitter. Criteria: ACMG Guidelines, 2015. Collection method: clinical testing. Allele origin: germline. Inheritance: Autosomal dominant inheritance. Observed: 1 variant allele, 1 heterozygote.
Comment: This study involves interpretation of variants in research participants for the purpose of population health screening. Participant phenotype was not available at the time of variant classification. Additional details can be found in publication PMID: 35346344, PMCID: PMC8962531

Labcorp Genetics (formerly Invitae), Labcorp
Classification: Likely benign for Multiple endocrine neoplasia, type 1. Last evaluated: 2022-04-02. Review status: criteria provided, single submitter. Criteria: Invitae Variant Classification Sherloc (09022015). Collection method: clinical testing. Allele origin: germline.

NM_001370259.2(MEN1):c.913-12A>C

Gene: MEN1 (menin 1; minus strand). Cytogenetic location: 11q13.1.
Variant type: single nucleotide variant.
Coding change: c.913-12A>C on transcript NM_001370259.2 (MANE Select); 12 bases into the intron before coding-DNA position 913, A replaced by C.
Molecular consequence: intron variant.
Genome position (GRCh38, 1-based): chr11:64,806,380, T>G on the plus strand (A>C on the coding strand, the complement: MEN1 is on the minus strand). VCF-style: chr11-64806380-T-G. GRCh37 (hg19) VCF-style: chr11-64573852-T-G.
Other names: c.928-12A>C (NM_130804.3, NM_130803.3, NM_000244.4 and 3 more transcripts); c.913-12A>C (NM_130799.3, NM_001370260.2, NM_001370251.2 and 1 more transcripts); c.808-12A>C (NM_001370263.2, NM_001370262.2).
Identifiers: ClinVar variation 2120809 (VCV002120809.5), dbSNP rs1592644170, ClinGen allele CA1978889528.